The following is an entry in ClinVar:

NM_145239.3(PRRT2):c.968G>A (p.Gly323Glu)

Genes: MVP-DT (MVP divergent transcript; minus strand), PRRT2 (proline rich transmembrane protein 2; plus strand). Cytogenetic location: 16p11.2.
Variant type: single nucleotide variant.
Coding change: c.968G>A on transcript NM_145239.3 (MANE Select); coding-DNA position 968, G replaced by A.
Protein change: p.Gly323Glu; replaces glycine 323 with glutamic acid.
Molecular consequence: missense variant. On other transcripts: 3 prime UTR variant (1).
Genome position (GRCh38, 1-based): chr16:29,814,421, G>A. VCF-style: chr16-29814421-G-A. GRCh37 (hg19) VCF-style: chr16-29825742-G-A.
Other names: c.968G>A, p.Gly323Glu (NM_001256442.2); c.*467G>A (NM_001256443.2); short protein forms G323E.
Identifiers: ClinVar variation 3899085 (VCV003899085.1).

ClinVar aggregate classification (germline): Pathogenic (1 of 4 stars; one submission).

Submission:

GeneDx
Classification: Pathogenic. Last evaluated: 2024-11-05. Review status: criteria provided, single submitter. Criteria: GeneDx Variant Classification Process June 2021. Collection method: clinical testing. Allele origin: germline. Affected: yes.
Comment: Published functional studies demonstrate a decrease in PPRT2 expression compared to wildtype and abnormal protein localization (PMID: 31124310); Identified in a patient with generalized tonic-clonic seizures in the published literature (PMID: 22623405); Not observed at significant frequency in large population cohorts (gnomAD); In silico analysis indicates that this missense variant does not alter protein structure/function; This variant is associated with the following publications: (PMID: 31124310, 30980674, 22623405, 23363396, 25194488)